The following is an entry in ClinVar:

ClinVar aggregate classification (germline): Pathogenic. Review status: criteria provided, multiple submitters, no conflicts (2 of 4 stars). 3 submissions from 3 submitters: Pathogenic (3). Last evaluated 2026-03-19.

Conditions:
Neurofibromatosis, type 1 (NF1). Also called: VON RECKLINGHAUSEN DISEASE; Neurofibromatosis, type I; NEUROFIBROMATOSIS, TYPE I, SOMATIC; Peripheral type neurofibromatosis. Identifiers: Orphanet 636, MedGen C0027831, MONDO:0018975, OMIM 162200. Disease mechanism: loss of function.
Cardiovascular phenotype. Identifiers: MedGen CN230736.
Hereditary cancer-predisposing syndrome. Also called: Tumor predisposition; Hereditary Cancer Syndrome; Neoplastic Syndromes, Hereditary; Hereditary neoplastic syndrome. Identifiers: Orphanet 140162, MedGen C0027672, MeSH D009386, MONDO:0015356.

Submissions (3):

Ambry Genetics
Classification: Pathogenic for Cardiovascular phenotype; Hereditary cancer-predisposing syndrome. Last evaluated: 2026-03-19. Review status: criteria provided, single submitter. Criteria: Ambry Variant Classification Scheme 2023. Collection method: clinical testing. Allele origin: germline.
Comment: The p.Q2245* pathogenic mutation (also known as c.6733C>T), located in coding exon 44 of the NF1 gene, results from a C to T substitution at nucleotide position 6733. This changes the amino acid from a glutamine to a stop codon within coding exon 44. This variant was reported in individual(s) with features consistent with neurofibromatosis type 1 (NF1) (Ambry internal data). This variant is considered to be rare based on population cohorts in the Genome Aggregation Database (gnomAD). This alteration is expected to result in loss of function by premature protein truncation or nonsense-mediated mRNA decay. As such, this alteration is interpreted as a disease-causing mutation.

Labcorp Genetics (formerly Invitae), Labcorp
Classification: Pathogenic for Neurofibromatosis, type 1. Last evaluated: 2025-03-05. Review status: criteria provided, single submitter. Criteria: Invitae Variant Classification Sherloc (09022015). Collection method: clinical testing. Allele origin: germline.
Comment: This sequence change creates a premature translational stop signal (p.Gln2245*) in the NF1 gene. It is expected to result in an absent or disrupted protein product. Loss-of-function variants in NF1 are known to be pathogenic (PMID: 10712197, 23913538). This variant is not present in population databases (gnomAD no frequency). This premature translational stop signal has been observed in individual(s) with clinical features of neurofibromatosis type 1 (PMID: 34374989). ClinVar contains an entry for this variant (Variation ID: 545966). Algorithms developed to predict the effect of sequence changes on RNA splicing suggest that this variant may disrupt the consensus splice site. For these reasons, this variant has been classified as Pathogenic.

GeneDx
Classification: Pathogenic. Last evaluated: 2023-10-26. Review status: criteria provided, single submitter. Criteria: GeneDx Variant Classification Process June 2021. Collection method: clinical testing. Allele origin: germline. Affected: yes.
Comment: Nonsense variant predicted to result in protein truncation or nonsense mediated decay in a gene for which loss of function is a known mechanism of disease; Not observed at significant frequency in large population cohorts (gnomAD); Apparently de novo variant in a patient with seizures, global developmental delay, and hyperpigmentation (PMID: 34374989); This variant is associated with the following publications: (PMID: 23656349, 29926297, 34374989)

Literature cited by the submitters: PubMed 10712197 (cited by Labcorp Genetics (formerly Invitae), Labcorp); PubMed 23913538 (cited by Labcorp Genetics (formerly Invitae), Labcorp); PubMed 34374989 (cited by Labcorp Genetics (formerly Invitae), Labcorp).

NM_001042492.3(NF1):c.6796C>T (p.Gln2266Ter)

Gene: NF1 (neurofibromin 1; plus strand). Cytogenetic location: 17q11.2.
Variant type: single nucleotide variant.
Coding change: c.6796C>T on transcript NM_001042492.3 (MANE Select); coding-DNA position 6796, C replaced by T.
Protein change: p.Gln2266Ter; replaces glutamine 2266 with a stop codon.
Molecular consequence: nonsense.
Genome position (GRCh38, 1-based): chr17:31,338,116, C>T. VCF-style: chr17-31338116-C-T. GRCh37 (hg19) VCF-style: chr17-29665134-C-T.
Other names: c.6733C>T, p.Gln2245Ter (NM_000267.4); short protein forms Q2245*, Q2266*.
Identifiers: ClinVar variation 545966 (VCV000545966.6), dbSNP rs1555534955, ClinGen allele CA399014175.